The following is an entry in ClinVar:

NM_017780.4(CHD7):c.4609A>T (p.Lys1537Ter)

Gene: CHD7 (chromodomain helicase DNA binding protein 7; plus strand). Cytogenetic location: 8q12.2.
Variant type: single nucleotide variant.
Coding change: c.4609A>T on transcript NM_017780.4 (MANE Select); coding-DNA position 4609, A replaced by T.
Protein change: p.Lys1537Ter; replaces lysine 1537 with a stop codon.
Molecular consequence: nonsense. On other transcripts: intron variant (1).
Genome position (GRCh38, 1-based): chr8:60,841,719, A>T. VCF-style: chr8-60841719-A-T. GRCh37 (hg19) VCF-style: chr8-61754278-A-T.
Other names: c.4609A>T (LRG_176t1); c.1717-20510A>T (NM_001316690.1); short protein forms K1537*.
Identifiers: ClinVar variation 392465 (VCV000392465.2), dbSNP rs1057524501, ClinGen allele CA16605402.

ClinVar aggregate classification (germline): Pathogenic (1 of 4 stars; one submission).

Submission:

GeneDx
Classification: Pathogenic. Last evaluated: 2017-01-13. Review status: criteria provided, single submitter. Criteria: GeneDx Variant Classification (06012015). Collection method: clinical testing. Allele origin: germline. Affected: yes.
Comment: The K1537X variant in the CHD7 gene has not been reported previously as a pathogenic variant nor as a benign variant, to our knowledge. This variant is predicted to cause loss of normal protein function either through protein truncation or nonsense-mediated mRNA decay. The K1537X variant was not observed in approximately 6000 individuals of European and African American ancestry in the NHLBI Exome Sequencing Project, indicating it is not a common benign variant in these populations. We interpret K1537X as a pathogenic variant.